The following is an entry in ClinVar:

NM_004565.3(PEX14):c.428A>G (p.Lys143Arg)

Gene: PEX14 (peroxisomal biogenesis factor 14; plus strand). Cytogenetic location: 1p36.22.
Variant type: single nucleotide variant.
Coding change: c.428A>G on transcript NM_004565.3 (MANE Select); coding-DNA position 428, A replaced by G.
Protein change: p.Lys143Arg; replaces lysine 143 with arginine.
Molecular consequence: missense variant.
Genome position (GRCh38, 1-based): chr1:10,623,062, A>G. VCF-style: chr1-10623062-A-G. GRCh37 (hg19) VCF-style: chr1-10683119-A-G.
Other names: short protein forms K143R.
Identifiers: ClinVar variation 1421623 (VCV001421623.8), dbSNP rs2124639369, ClinGen allele CA338333360.

ClinVar aggregate classification (germline): Uncertain significance (1 of 4 stars; one submission).

Conditions:
Peroxisome biogenesis disorder, complementation group K (CGK). Identifiers: MedGen C1866257, MONDO:0800365.

Submission:

Labcorp Genetics (formerly Invitae), Labcorp
Classification: Uncertain significance for Peroxisome biogenesis disorder, complementation group K. Last evaluated: 2021-07-09. Review status: criteria provided, single submitter. Criteria: Invitae Variant Classification Sherloc (09022015). Collection method: clinical testing. Allele origin: germline.
Comment: Algorithms developed to predict the effect of missense changes on protein structure and function are either unavailable or do not agree on the potential impact of this missense change (SIFT: "Tolerated"; PolyPhen-2: "Probably Damaging"; Align-GVGD: "Class C0"). In summary, the available evidence is currently insufficient to determine the role of this variant in disease. Therefore, it has been classified as a Variant of Uncertain Significance. This variant has not been reported in the literature in individuals affected with PEX14-related conditions. This variant is not present in population databases (ExAC no frequency). This sequence change replaces lysine with arginine at codon 143 of the PEX14 protein (p.Lys143Arg). The lysine residue is moderately conserved and there is a small physicochemical difference between lysine and arginine.